The following is an entry in ClinVar:

NM_001040142.2(SCN2A):c.3913dup (p.Leu1305fs)

Gene: SCN2A (sodium voltage-gated channel alpha subunit 2; plus strand). Cytogenetic location: 2q24.3.
Variant type: Duplication.
Coding change: c.3913dup on transcript NM_001040142.2 (MANE Select); coding-DNA position 3913, one base duplicated (C; older notation c.3913dupC).
Protein change: p.Leu1305fs; shifts the reading frame from leucine 1305.
Molecular consequence: frameshift variant.
Genome position (GRCh38, 1-based): chr2:165,373,288, C duplicated; the last of 3 consecutive C bases (chr2:165,373,286-165,373,288); duplicating any one gives the same sequence. VCF-style (leftmost placement, unchanged base first): chr2-165373285-T-TC. GRCh37 (hg19) VCF-style: chr2-166229795-T-TC.
Other names: c.3913dup, p.Leu1305fs (NM_001040143.2, NM_001371246.1, NM_001371247.1 and 1 more transcripts); short protein forms L1305fs.
Identifiers: ClinVar variation 976355 (VCV000976355.1), dbSNP rs1701138696, ClinGen allele CA1139657295.
Genomic context (GRCh38, chr2:165,373,285, plus strand): 5'-GTCTCACTGGTTAGCTTAACTGCAAATGCCTTGGGTTACTCAGAACTTGGTGCCATCAAA[T>TC]CCCTCAGAACACTAAGAGCTCTGAGGCCACTGAGAGCTTTGTCCCGGTTTGAAGGAATGA-3'

ClinVar aggregate classification (germline): Pathogenic (1 of 4 stars; one submission).

Conditions:
Seizures, benign familial infantile, 3 (BFIS3). Also called: Familial neonatal seizures; CONVULSIONS, BENIGN FAMILIAL INFANTILE, 3. Identifiers: Orphanet 140927, Orphanet 306, MedGen C1843140, MONDO:0011904, OMIM 607745.

Submission:

Institute of Human Genetics, University of Leipzig Medical Center
Classification: Pathogenic for Seizures, benign familial infantile, 3. Last evaluated: 2018-08-24. Review status: criteria provided, single submitter. Criteria: ACMG Guidelines, 2015. Collection method: clinical testing. Allele origin: de novo. Affected: yes. Observed: 1 variant allele.
Comment: This variant was identified as de novo (maternity and paternity confirmed).